The following is an entry in ClinVar:

ClinVar aggregate classification (germline): Likely pathogenic (1 of 4 stars; one submission).

Submission:

Labcorp Genetics (formerly Invitae), Labcorp
Classification: Likely pathogenic. Last evaluated: 2022-07-23. Review status: criteria provided, single submitter. Criteria: Invitae Variant Classification Sherloc (09022015). Collection method: clinical testing. Allele origin: germline.
Comment: A copy number gain of the genomic region encompassing the full coding sequence of the NEXMIF gene has been identified. The boundaries of this event are unknown as they extend beyond the assayed region for this gene and therefore may encompass additional genes. As the precise location of this event is unknown, it may be in tandem or it may be located elsewhere in the genome. A similar copy number variant has been observed in individual(s) with intellectual disability and autism (PMID: 25394356). It has also been observed to segregate with disease in related individuals. Studies have shown that a similar copy number variant alters NEXMIF gene expression (PMID: 25394356). In summary, the currently available evidence indicates that the variant is pathogenic, but additional data are needed to prove that conclusively. Therefore, this variant has been classified as Likely Pathogenic.

Literature cited by the submitters: PubMed 25394356.

NC_000023.10:g.(?_73641473)_(74376107_?)dup

Genes: ABCB7 (ATP binding cassette subfamily B member 7; minus strand), NEXMIF (neurite extension and migration factor; minus strand), RLIM (ring finger protein, LIM domain interacting; minus strand), SLC16A2 (solute carrier family 16 member 2; plus strand). Cytogenetic location: Xq13.2-13.3.
Variant type: Duplication.
Identifiers: ClinVar variation 2423460 (VCV002423460.3).